The following is an entry in ClinVar:

ClinVar aggregate classification (germline): Uncertain significance (1 of 4 stars; one submission).

Conditions:
Hereditary sensory and autonomic neuropathy type 7. Also called: Neuropathy, hereditary sensory and autonomic, type VII; HSAN VII. Identifiers: Orphanet 391397, MedGen C3809882, MONDO:0014244, OMIM 615548.
Familial episodic pain syndrome with predominantly lower limb involvement. Also called: Episodic pain syndrome, familial, 3. Identifiers: Orphanet 391384, Orphanet 391392, MedGen C3809899, MONDO:0014247, OMIM 615552.

Submission:

Labcorp Genetics (formerly Invitae), Labcorp
Classification: Uncertain significance for Familial episodic pain syndrome with predominantly lower limb involvement; Hereditary sensory and autonomic neuropathy type 7. Last evaluated: 2021-03-27. Review status: criteria provided, single submitter. Criteria: Invitae Variant Classification Sherloc (09022015). Collection method: clinical testing. Allele origin: germline.
Comment: In summary, the available evidence is currently insufficient to determine the role of this variant in disease. Therefore, it has been classified as a Variant of Uncertain Significance. Algorithms developed to predict the effect of missense changes on protein structure and function (SIFT, PolyPhen-2, Align-GVGD) all suggest that this variant is likely to be disruptive, but these predictions have not been confirmed by published functional studies and their clinical significance is uncertain. This variant has not been reported in the literature in individuals with SCN11A-related conditions. This variant is not present in population databases (ExAC no frequency). This sequence change replaces leucine with serine at codon 246 of the SCN11A protein (p.Leu246Ser). The leucine residue is highly conserved and there is a large physicochemical difference between leucine and serine.

NM_001349253.2(SCN11A):c.737T>C (p.Leu246Ser)

Gene: SCN11A (sodium voltage-gated channel alpha subunit 11; minus strand). Cytogenetic location: 3p22.2.
Variant type: single nucleotide variant.
Coding change: c.737T>C on transcript NM_001349253.2 (MANE Select); coding-DNA position 737, T replaced by C.
Protein change: p.Leu246Ser; replaces leucine 246 with serine.
Molecular consequence: missense variant.
Genome position (GRCh38, 1-based): chr3:38,921,231, A>G on the plus strand (T>C on the coding strand, the complement: SCN11A is on the minus strand). VCF-style: chr3-38921231-A-G. GRCh37 (hg19) VCF-style: chr3-38962722-A-G.
Other names: c.737T>C, p.Leu246Ser (NM_014139.3); short protein forms L246S.
Identifiers: ClinVar variation 1417527 (VCV001417527.8), dbSNP rs1553640859, ClinGen allele CA352172408.